The following is an entry in ClinVar:

NM_014915.3(ANKRD26):c.1955G>A (p.Ser652Asn)

Gene: ANKRD26 (ankyrin repeat domain 26; minus strand). Cytogenetic location: 10p12.1.
Variant type: single nucleotide variant.
Coding change: c.1955G>A on transcript NM_014915.3 (MANE Select); coding-DNA position 1955, G replaced by A.
Protein change: p.Ser652Asn; replaces serine 652 with asparagine.
Molecular consequence: missense variant.
Genome position (GRCh38, 1-based): chr10:27,046,383, C>T on the plus strand (G>A on the coding strand, the complement: ANKRD26 is on the minus strand). VCF-style: chr10-27046383-C-T. GRCh37 (hg19) VCF-style: chr10-27335312-C-T.
Other names: c.1952G>A, p.Ser651Asn (NM_001256053.2); short protein forms S651N, S652N.
Identifiers: ClinVar variation 3764276 (VCV003764276.3).

ClinVar aggregate classification (germline): Uncertain significance. Review status: criteria provided, multiple submitters, no conflicts (2 of 4 stars). 2 submissions from 2 submitters: Uncertain significance (2). Last evaluated 2025-09-25.

Conditions:
Inborn genetic diseases. Identifiers: MedGen C0950123, MeSH D030342.

Submissions (2):

Ambry Genetics
Classification: Uncertain significance for Inborn genetic diseases. Last evaluated: 2025-09-25. Review status: criteria provided, single submitter. Criteria: Ambry Variant Classification Scheme 2023. Collection method: clinical testing. Allele origin: germline.

GeneDx
Classification: Uncertain significance. Last evaluated: 2024-08-18. Review status: criteria provided, single submitter. Criteria: GeneDx Variant Classification Process June 2021. Collection method: clinical testing. Allele origin: germline. Affected: yes.
Comment: Not observed at significant frequency in large population cohorts (gnomAD); In silico analysis indicates that this missense variant does not alter protein structure/function; Has not been previously published as pathogenic or benign to our knowledge